The following is an entry in ClinVar:

ClinVar aggregate classification (germline): Likely pathogenic (1 of 4 stars; one submission).

Conditions:
Oculocutaneous albinism type 3 (OCA3). Also called: RUFOUS OCULOCUTANEOUS ALBINISM; XANTHISM; Rufous OCA; Rufous albinism; ALBINISM III; Albinism, oculocutaneous, type III. Identifiers: Orphanet 79433, MedGen C0342683, MONDO:0008747, OMIM 203290.

Submission:

First Genomix Gene Laboratory, Genetic Diagnostics Department
Classification: Likely pathogenic for Oculocutaneous albinism type 3. Last evaluated: 2025-07-09. Review status: criteria provided, single submitter. Criteria: ACMG Guidelines, 2015. Collection method: clinical testing. Allele origin: germline. Inheritance: Autosomal recessive inheritance. Affected: no. Observed: 1 variant allele.

NM_000550.3(TYRP1):c.566_569del (p.Val189fs)

Gene: TYRP1 (tyrosinase related protein 1; plus strand). Cytogenetic location: 9p23.
Variant type: Microsatellite.
Coding change: c.566_569del on transcript NM_000550.3 (MANE Select); coding-DNA positions 566 to 569, 4 bases deleted (TTTG; older notation c.566_569delTTTG).
Protein change: p.Val189fs; shifts the reading frame from valine 189.
Molecular consequence: frameshift variant.
Genome position (GRCh38, 1-based): chr9:12,695,695-12,695,698, TTTG deleted; deleting any 4 consecutive bases within chr9:12,695,691-12,695,698 gives the same sequence; the c. name uses the placement nearest the transcript's 3' end. VCF-style (leftmost placement, unchanged base first): chr9-12695690-CTTTG-C. GRCh37 (hg19) VCF-style: chr9-12695690-CTTTG-C.
Other names: c.566_569delTTTG (NM_000550.3); short protein forms V189fs.
Identifiers: ClinVar variation 4849328 (VCV004849328.1).